The following is an entry in ClinVar:

NM_001369.3(DNAH5):c.11357G>C (p.Ser3786Thr)

Genes: DNAH5 (dynein axonemal heavy chain 5; minus strand), LOC107457585 (meiotic recombination hotspot J; plus strand). Cytogenetic location: 5p15.2.
Variant type: single nucleotide variant.
Coding change: c.11357G>C on transcript NM_001369.3 (MANE Select); coding-DNA position 11357, G replaced by C.
Protein change: p.Ser3786Thr; replaces serine 3786 with threonine.
Molecular consequence: missense variant.
Genome position (GRCh38, 1-based): chr5:13,737,350, C>G on the plus strand (G>C on the coding strand, the complement: DNAH5 is on the minus strand). VCF-style: chr5-13737350-C-G. GRCh37 (hg19) VCF-style: chr5-13737459-C-G.
Other names: short protein forms S3786T.
Identifiers: ClinVar variation 577452 (VCV000577452.12), dbSNP rs777928542, ClinGen allele CA359226809.

ClinVar aggregate classification (germline): Uncertain significance. Review status: criteria provided, multiple submitters, no conflicts (2 of 4 stars). 3 submissions from 3 submitters: Uncertain significance (2). 1 of the submissions does not count toward it. Last evaluated 2025-11-24.

Conditions:
Primary ciliary dyskinesia 3. Identifiers: Orphanet 244, MedGen C1837618, MONDO:0012085, OMIM 608644.
Primary ciliary dyskinesia. Also called: Ciliary dyskinesia. Identifiers: Orphanet 244, MedGen C0008780, MONDO:0016575, HP:0012265.

gnomAD v4.1: 6 of 1,614,112 alleles (0.00037%); highest among the groups gnomAD compares: Non-Finnish European, 0.00051%; no homozygotes.

Submissions (3):

Myriad Genetics, Inc.
Classification: Uncertain significance for Primary ciliary dyskinesia 3. Last evaluated: 2025-11-24. Review status: criteria provided, single submitter. Criteria: Myriad Autosomal Dominant, Autosomal Recessive and X-Linked Classification Criteria (2023). Collection method: clinical testing. Allele origin: unknown.
Comment: NM_001369.2(DNAH5):c.11357G>C(S3786T) is a missense variant classified as a variant of uncertain significance in the context of primary ciliary dyskinesia, DNAH5-related. S3786T has not been observed in cases with relevant disease. Relevant functional assessments of this variant are not available in the literature. S3786T has not been observed in referenced population frequency databases. In summary, there is insufficient evidence to classify NM_001369.2(DNAH5):c.11357G>C(S3786T) as pathogenic or benign. Please note: this variant was assessed in the context of healthy population screening.

Labcorp Genetics (formerly Invitae), Labcorp
Classification: Uncertain significance for Primary ciliary dyskinesia. Last evaluated: 2021-08-24. Review status: criteria provided, single submitter. Criteria: Invitae Variant Classification Sherloc (09022015). Collection method: clinical testing. Allele origin: germline.
Comment: This sequence change replaces serine with threonine at codon 3786 of the DNAH5 protein (p.Ser3786Thr). The serine residue is highly conserved and there is a small physicochemical difference between serine and threonine. This variant is not present in population databases (ExAC no frequency). This variant has not been reported in the literature in individuals affected with DNAH5-related conditions. Algorithms developed to predict the effect of missense changes on protein structure and function (SIFT, PolyPhen-2, Align-GVGD) all suggest that this variant is likely to be tolerated. In summary, the available evidence is currently insufficient to determine the role of this variant in disease. Therefore, it has been classified as a Variant of Uncertain Significance.

Natera, Inc.
Classification: Uncertain significance for Primary ciliary dyskinesia. Last evaluated: 2020-09-14. Review status: no assertion criteria provided. Collection method: clinical testing. Allele origin: germline. Not counted in ClinVar's aggregate classification.